The following is an entry in ClinVar:

NM_006765.4(TUSC3):c.568-2A>G

Gene: TUSC3 (tumor suppressor candidate 3; plus strand). Cytogenetic location: 8p22.
Variant type: single nucleotide variant.
Coding change: c.568-2A>G on transcript NM_006765.4 (MANE Select); the canonical splice acceptor site of the intron before coding-DNA position 568, A replaced by G.
Molecular consequence: splice acceptor variant.
Genome position (GRCh38, 1-based): chr8:15,662,154, A>G. VCF-style: chr8-15662154-A-G. GRCh37 (hg19) VCF-style: chr8-15519663-A-G.
Other names: c.568-2A>G (NM_001413675.1, NM_001413688.1, NM_001413681.1 and 16 more transcripts); c.508-2A>G (NM_001413670.1); c.400-2A>G (NM_001413672.1, NM_001413671.1, NM_001413669.1); c.136-2A>G (NM_001413677.1); c.562-2A>G (NM_001413690.1); c.181-2A>G (NM_001413678.1).
Identifiers: ClinVar variation 1333604 (VCV001333604.1), dbSNP rs2129179995, ClinGen allele CA370385975.

ClinVar aggregate classification (germline): Likely pathogenic (1 of 4 stars; one submission).

Conditions:
Intellectual developmental disorder, autosomal recessive 7. Also called: Intellectual disability, autosomal recessive 7. Identifiers: Orphanet 88616, MedGen C1970197, MONDO:0012615, OMIM 611093.

Submission:

3billion
Classification: Likely pathogenic for Intellectual developmental disorder, autosomal recessive 7. Last evaluated: 2022-01-03. Review status: criteria provided, single submitter. Criteria: ACMG Guidelines, 2015. Collection method: clinical testing. Allele origin: germline. Affected: yes. Observed: 1 homozygote.
Comment: Canonical splice site: predicted to alter splicing and result in a loss or disruption of normal protein function through protein truncation. Multiple pathogenic variants are reported in the predicted truncated region (PVS1_VS).It is not observed in the gnomAD v2.1.1 dataset (PM2_M). Therefore, this variant is classified as likely pathogenic according to the recommendation of ACMG/AMP guideline.